The following is an entry in ClinVar:

ClinVar aggregate classification (germline): Pathogenic (1 of 4 stars; one submission).

Submission:

Labcorp Genetics (formerly Invitae), Labcorp
Classification: Pathogenic. Last evaluated: 2024-02-16. Review status: criteria provided, single submitter. Criteria: Invitae Variant Classification Sherloc (09022015). Collection method: clinical testing. Allele origin: germline.
Comment: This sequence change creates a premature translational stop signal (p.His354*) in the TTC37 gene. It is expected to result in an absent or disrupted protein product. Loss-of-function variants in TTC37 are known to be pathogenic (PMID: 20176027, 21120949). This variant is not present in population databases (gnomAD no frequency). This variant has not been reported in the literature in individuals affected with TTC37-related conditions. Algorithms developed to predict the effect of sequence changes on RNA splicing suggest that this variant may disrupt the consensus splice site. For these reasons, this variant has been classified as Pathogenic.

Literature cited by the submitters: PubMed 20176027; PubMed 21120949.

NM_014639.4(SKIC3):c.1060_1063del (p.Leu353_His354insTer)

Gene: SKIC3 (SKI3 subunit of superkiller complex; minus strand). Cytogenetic location: 5q15.
Variant type: Deletion.
Coding change: c.1060_1063del on transcript NM_014639.4 (MANE Select); coding-DNA positions 1060 to 1063, 4 bases deleted (CATT; older notation c.1060_1063delCATT).
Protein change: p.Leu353_His354insTer.
Molecular consequence: nonsense.
Genome position (GRCh38, 1-based): chr5:95,528,084-95,528,087, AATG deleted on the plus strand (CATT on the coding strand, the reverse complement: SKIC3 is on the minus strand); deleting any 4 consecutive bases within chr5:95,528,084-95,528,089 gives the same sequence; the c. name uses the placement nearest the transcript's 3' end. VCF-style (leftmost placement, unchanged base first): chr5-95528083-AAATG-A. GRCh37 (hg19) VCF-style: chr5-94863787-AAATG-A.
Identifiers: ClinVar variation 3641270 (VCV003641270.2).